The following is an entry in ClinVar:

NM_201596.3(CACNB2):c.431C>T (p.Ala144Val)

Gene: CACNB2 (calcium voltage-gated channel auxiliary subunit beta 2; plus strand). Cytogenetic location: 10p12.31.
Variant type: single nucleotide variant.
Coding change: c.431C>T on transcript NM_201596.3 (MANE Select); coding-DNA position 431, C replaced by T.
Protein change: p.Ala144Val; replaces alanine 144 with valine.
Molecular consequence: missense variant.
Genome position (GRCh38, 1-based): chr10:18,498,452, C>T. VCF-style: chr10-18498452-C-T. GRCh37 (hg19) VCF-style: chr10-18787381-C-T.
Other names: c.266C>T, p.Ala89Val (NM_000724.4, NM_001330060.2); c.347C>T, p.Ala116Val (NM_001167945.2, NM_201571.4, NM_201572.4); c.287C>T, p.Ala96Val (NM_001410882.1, NM_201570.3); c.269C>T, p.Ala90Val (NM_201590.3); c.431C>T, p.Ala144Val (NM_201593.3, NM_201597.3); short protein forms A116V, A144V, A89V, A90V, A96V.
Identifiers: ClinVar variation 3230197 (VCV003230197.1), dbSNP rs954616909, ClinGen allele CA376056944.

ClinVar aggregate classification (germline): Uncertain significance (1 of 4 stars; one submission).

Conditions:
Cardiovascular phenotype. Identifiers: MedGen CN230736.

Submission:

Ambry Genetics
Classification: Uncertain significance for Cardiovascular phenotype. Last evaluated: 2023-11-10. Review status: criteria provided, single submitter. Criteria: Ambry Variant Classification Scheme 2023. Collection method: clinical testing. Allele origin: germline.
Comment: The p.A90V variant (also known as c.269C>T), located in coding exon 3 of the CACNB2 gene, results from a C to T substitution at nucleotide position 269. The alanine at codon 90 is replaced by valine, an amino acid with similar properties. This amino acid position is well conserved in available vertebrate species. In addition, the in silico prediction for this alteration is inconclusive. The evidence for this gene-disease relationship is limited; therefore, the clinical significance of this alteration is unclear.